The following is an entry in ClinVar:

ClinVar aggregate classification (germline): Uncertain significance (1 of 4 stars; one submission).

gnomAD v4.1: 1 of 1,614,202 alleles (0.000062%); highest among the groups gnomAD compares: South Asian, 0.0011%; no homozygotes.

Submission:

Labcorp Genetics (formerly Invitae), Labcorp
Classification: Uncertain significance. Last evaluated: 2026-01-10. Review status: criteria provided, single submitter. Criteria: Invitae Variant Classification Sherloc (09022015). Collection method: clinical testing. Allele origin: germline.
Comment: This sequence change replaces isoleucine, which is neutral and non-polar, with threonine, which is neutral and polar, at codon 333 of the CTNNA1 protein (p.Ile333Thr). This variant is not present in population databases (gnomAD no frequency). This variant has not been reported in the literature in individuals affected with CTNNA1-related conditions. ClinVar contains an entry for this variant (Variation ID: 1366650). Invitae Evidence Modeling of protein sequence and biophysical properties (such as structural, functional, and spatial information, amino acid conservation, physicochemical variation, residue mobility, and thermodynamic stability) indicates that this missense variant is expected to disrupt CTNNA1 protein function with a positive predictive value of 80%. In summary, the available evidence is currently insufficient to determine the role of this variant in disease. Therefore, it has been classified as a Variant of Uncertain Significance.

NM_001903.5(CTNNA1):c.998T>C (p.Ile333Thr)

Gene: CTNNA1 (catenin alpha 1; plus strand). Cytogenetic location: 5q31.2.
Variant type: single nucleotide variant.
Coding change: c.998T>C on transcript NM_001903.5 (MANE Select); coding-DNA position 998, T replaced by C.
Protein change: p.Ile333Thr; replaces isoleucine 333 with threonine.
Molecular consequence: missense variant.
Genome position (GRCh38, 1-based): chr5:138,827,654, T>C. VCF-style: chr5-138827654-T-C. GRCh37 (hg19) VCF-style: chr5-138163343-T-C.
Other names: c.998T>C, p.Ile333Thr (NM_001290307.3, NM_001323982.2, NM_001323983.1 and 3 more transcripts); c.689T>C, p.Ile230Thr (NM_001290309.3); c.629T>C, p.Ile210Thr (NM_001290310.3); short protein forms I210T, I230T, I333T.
Identifiers: ClinVar variation 1366650 (VCV001366650.8), dbSNP rs2149785908, ClinGen allele CA361131115.